The following is an entry in ClinVar:

NM_015135.3(NUP205):c.4478G>T (p.Arg1493Met)

Gene: NUP205 (nucleoporin 205; plus strand). Cytogenetic location: 7q33.
Variant type: single nucleotide variant.
Coding change: c.4478G>T on transcript NM_015135.3 (MANE Select); coding-DNA position 4478, G replaced by T.
Protein change: p.Arg1493Met; replaces arginine 1493 with methionine.
Molecular consequence: missense variant.
Genome position (GRCh38, 1-based): chr7:135,622,924, G>T. VCF-style: chr7-135622924-G-T. GRCh37 (hg19) VCF-style: chr7-135307672-G-T.
Other names: c.3404G>T, p.Arg1135Met (NM_001329434.2); short protein forms R1135M, R1493M.
Identifiers: ClinVar variation 3203073 (VCV003203073.2), dbSNP rs370800868, ClinGen allele CA4498887.

ClinVar aggregate classification (germline): Uncertain significance. Review status: criteria provided, multiple submitters, no conflicts (2 of 4 stars). 2 submissions from 2 submitters: Uncertain significance (2). Last evaluated 2026-01-14.

Conditions:
NUP205-related disorder. Also called: NUP205-related condition.

Allele frequency attached by ClinVar (database versions not stated): gnomAD exomes 0.00002; ExAC 0.00003; gnomAD 0.00003; TOPMed 0.00009; ESP Exome Variant Server 0.00015.
gnomAD v4.1: 36 of 1,613,372 alleles (0.0022%); highest among the groups gnomAD compares: Middle Eastern, 0.016%; no homozygotes.

Submissions (2):

PreventionGenetics, part of Exact Sciences
Classification: Uncertain significance for NUP205-related condition. Last evaluated: 2026-01-14. Review status: criteria provided, single submitter. Criteria: ACMG Guidelines, 2015. Collection method: clinical testing. Allele origin: germline.
Comment: The NUP205 c.4478G>T variant is predicted to result in the amino acid substitution p.Arg1493Met. To our knowledge, this variant has not been reported in the literature. This variant is reported in 0.0053% of alleles in individuals of European (Non-Finnish) descent in gnomAD. At this time, the clinical significance of this variant is uncertain due to the absence of conclusive functional and genetic evidence.

Ambry Genetics
Classification: Uncertain significance. Last evaluated: 2023-11-14. Review status: criteria provided, single submitter. Criteria: Ambry Variant Classification Scheme 2023. Collection method: clinical testing. Allele origin: germline.